The following is an entry in ClinVar:

ClinVar aggregate classification (germline): Uncertain significance. Review status: criteria provided, multiple submitters, no conflicts (2 of 4 stars). 2 submissions from 2 submitters: Uncertain significance (2). Last evaluated 2026-07-06.

Conditions:
Hereditary cancer-predisposing syndrome. Also called: Hereditary Cancer Syndrome; Hereditary neoplastic syndrome; Neoplastic Syndromes, Hereditary; Tumor predisposition. Identifiers: Orphanet 140162, MedGen C0027672, MeSH D009386, MONDO:0015356.

Submissions (2):

Ambry Genetics
Classification: Uncertain significance for Hereditary cancer-predisposing syndrome. Last evaluated: 2026-07-06. Review status: criteria provided, single submitter. Criteria: Ambry Variant Classification Scheme 2023. Collection method: clinical testing. Allele origin: germline.
Comment: The p.D181N variant (also known as c.541G>A), located in coding exon 3 of the PHOX2B gene, results from a G to A substitution at nucleotide position 541. The aspartic acid at codon 181 is replaced by asparagine, an amino acid with highly similar properties. This amino acid position is conserved. In addition, this alteration is predicted to be tolerated by in silico analysis. Based on the available evidence, the clinical significance of this variant remains unclear.

GeneDx
Classification: Uncertain significance. Last evaluated: 2025-07-16. Review status: criteria provided, single submitter. Criteria: GeneDx Variant Classification Process June 2021. Collection method: clinical testing. Allele origin: germline. Affected: yes.
Comment: Not observed at significant frequency in large population cohorts (gnomAD); In silico analysis suggests that this missense variant does not alter protein structure/function; Has not been previously published as pathogenic or benign to our knowledge

NM_003924.4(PHOX2B):c.541G>A (p.Asp181Asn)

Gene: PHOX2B (paired like homeobox 2B; minus strand). Cytogenetic location: 4p13.
Variant type: single nucleotide variant.
Coding change: c.541G>A on transcript NM_003924.4 (MANE Select); coding-DNA position 541, G replaced by A.
Protein change: p.Asp181Asn; replaces aspartic acid 181 with asparagine.
Molecular consequence: missense variant.
Genome position (GRCh38, 1-based): chr4:41,746,211, C>T on the plus strand (G>A on the coding strand, the complement: PHOX2B is on the minus strand). VCF-style: chr4-41746211-C-T. GRCh37 (hg19) VCF-style: chr4-41748228-C-T.
Other names: short protein forms D181N.
Identifiers: ClinVar variation 4686495 (VCV004686495.2).